The following is an entry in ClinVar:

ClinVar aggregate classification (germline): Uncertain significance (1 of 4 stars; one submission).

Conditions:
Inborn genetic diseases. Identifiers: MedGen C0950123, MeSH D030342.

Submission:

Ambry Genetics
Classification: Uncertain significance for Inborn genetic diseases. Last evaluated: 2025-09-28. Review status: criteria provided, single submitter. Criteria: Ambry Variant Classification Scheme 2023. Collection method: clinical testing. Allele origin: germline.
Comment: The p.D1117N variant (also known as c.3349G>A), located in coding exon 15 of the MECOM gene, results from a G to A substitution at nucleotide position 3349. The aspartic acid at codon 1117 is replaced by asparagine, an amino acid with highly similar properties. This amino acid position is conserved. In addition, this alteration is predicted to be tolerated by in silico analysis. Based on the available evidence, the clinical significance of this variant remains unclear.

NM_004991.4(MECOM):c.3349G>A (p.Asp1117Asn)

Gene: MECOM (MDS1 and EVI1 complex locus; minus strand). Cytogenetic location: 3q26.2.
Variant type: single nucleotide variant.
Coding change: c.3349G>A on transcript NM_004991.4 (MANE Select); coding-DNA position 3349, G replaced by A.
Protein change: p.Asp1117Asn; replaces aspartic acid 1117 with asparagine.
Molecular consequence: missense variant.
Genome position (GRCh38, 1-based): chr3:169,090,052, C>T on the plus strand (G>A on the coding strand, the complement: MECOM is on the minus strand). VCF-style: chr3-169090052-C-T. GRCh37 (hg19) VCF-style: chr3-168807840-C-T.
Other names: c.2980G>A, p.Asp994Asn (NM_001105077.4); c.2785G>A, p.Asp929Asn (NM_001105078.4, NM_001205194.2, NM_001366469.2 and 1 more transcripts); c.2761G>A, p.Asp921Asn (NM_001163999.2, NM_001366470.2); c.2758G>A, p.Asp920Asn (NM_001164000.2, NM_001366471.2, NM_001366472.2); c.3322G>A, p.Asp1108Asn (NM_001366466.2); c.2788G>A, p.Asp930Asn (NM_001366467.2, NM_001366468.2); c.2350G>A, p.Asp784Asn (NM_001366473.2); c.1786G>A, p.Asp596Asn (NM_001366474.2); short protein forms D1117N, D930N, D1108N, D596N, D920N, D784N, D929N, D921N.
Identifiers: ClinVar variation 4624616 (VCV004624616.1).